The following is an entry in ClinVar:

NM_001458.5(FLNC):c.2952dup (p.Ala985fs)

Gene: FLNC (filamin C; plus strand). Cytogenetic location: 7q32.1.
Variant type: Duplication.
Coding change: c.2952dup on transcript NM_001458.5 (MANE Select); coding-DNA position 2952, one base duplicated (A; older notation c.2952dupA).
Protein change: p.Ala985fs; shifts the reading frame from alanine 985.
Molecular consequence: frameshift variant.
Genome position (GRCh38, 1-based): chr7:128,844,026, A duplicated; the last of 2 consecutive A bases (chr7:128,844,025-128,844,026); duplicating either gives the same sequence. VCF-style (leftmost placement, unchanged base first): chr7-128844024-C-CA. GRCh37 (hg19) VCF-style: chr7-128484078-C-CA.
Other names: c.2952dup, p.Ala985fs (NM_001127487.2); short protein forms A985fs.
Identifiers: ClinVar variation 4852586 (VCV004852586.1).
Genomic context (GRCh38, chr7:128,844,024, plus strand): 5'-GACCGGAGTCTCCTCATGGTGTCACTTGCCCTCCACGCAGAGGTGGCTGTGGGACAGGAA[C>CA]AAGCATTCTCTGTGAACACACGAGGGGCTGGCGGTCAGGGCCAACTGGATGTGCGGATGA-3'

ClinVar aggregate classification (germline): Likely pathogenic (1 of 4 stars; one submission).

Conditions:
Hypertrophic cardiomyopathy 26. Also called: Cardiomyopathy, familial hypertrophic, 26. Identifiers: Orphanet 75249, MedGen C4310749, MONDO:0014883, OMIM 617047.

Submission:

Molecular Genetics Laboratory, Motol Hospital
Classification: Likely pathogenic for Hypertrophic cardiomyopathy 26. Last evaluated: 2026-05-29. Review status: criteria provided, single submitter. Criteria: ACMG Guidelines, 2015. Collection method: clinical testing. Allele origin: germline. Inheritance: Sporadic. Affected: yes. Observed: 1 variant allele, 1 heterozygote.
Comment: A rare variant not present in non-Finnish European population (gnomAD v4.1.1) (PM2). Rare truncating variants in the FLNC gene are associated with multiple conditions, including autosomal dominant familial dilated cardiomyopathy 1PP (PVS1). The variant c.2952dup is classified as likely pathogenic.

Literature cited by the submitters: PubMed 31245841; PubMed 27908349.